The following is an entry in ClinVar:

ClinVar aggregate classification (germline): Benign. Review status: criteria provided, multiple submitters, no conflicts (2 of 4 stars). 11 submissions from 11 submitters: Benign (8). 3 of the submissions do not count toward it. Last evaluated 2026-02-04.

Conditions:
Fraser syndrome 1 (FRASRS1). Also called: CRYPTOPHTHALMOS WITH OTHER MALFORMATIONS. Identifiers: Orphanet 2052, MedGen C4551480, MONDO:0054737, OMIM 219000.

Allele frequency attached by ClinVar (database versions not stated): ESP Exome Variant Server 0.41140; TOPMed 0.43148; 1000 Genomes Project 30x 0.43301; 1000 Genomes Project 0.43431.
gnomAD v4.1: 642,500 of 1,613,426 alleles (40%); highest among the groups gnomAD compares: African/African-American, 48%; 129,031 homozygotes.

Submissions (11):

Labcorp Genetics (formerly Invitae), Labcorp
Classification: Benign. Last evaluated: 2026-02-04. Review status: criteria provided, single submitter. Criteria: Invitae Variant Classification Sherloc (09022015). Collection method: clinical testing. Allele origin: germline.

Blueprint Genetics
Classification: Benign. Last evaluated: 2024-11-26. Review status: criteria provided, single submitter. Criteria: ACMG Guidelines, 2015. Collection method: clinical testing. Allele origin: germline.

Mayo Clinic Laboratories, Mayo Clinic
Classification: Benign. Last evaluated: 2022-03-09. Review status: criteria provided, single submitter. Criteria: ACMG Guidelines, 2015. Collection method: clinical testing. Allele origin: germline. Observed: 45 variant alleles.

Genome-Nilou Lab
Classification: Benign for Fraser syndrome 1. Last evaluated: 2021-08-10. Review status: criteria provided, single submitter. Criteria: ACMG Guidelines, 2015. Collection method: clinical testing. Allele origin: germline. Affected: no.

GeneDx
Classification: Benign. Last evaluated: 2019-02-14. Review status: criteria provided, single submitter. Criteria: GeneDx Variant Classification Process June 2021. Collection method: clinical testing. Allele origin: germline. Affected: yes.

Illumina Laboratory Services, Illumina
Classification: Benign for Fraser syndrome 1. Last evaluated: 2018-01-12. Review status: criteria provided, single submitter. Criteria: ICSL Variant Classification Criteria 13 December 2019. Collection method: clinical testing. Allele origin: germline.
Comment: This variant was observed in the ICSL laboratory as part of a predisposition screen in an ostensibly healthy population. It had not been previously curated by ICSL or reported in the Human Gene Mutation Database (HGMD: prior to June 1st, 2018), and was therefore a candidate for classification through an automated scoring system. Utilizing variant allele frequency, disease prevalence and penetrance estimates, and inheritance mode, an automated score was calculated to assess if this variant is too frequent to cause the disease. Based on the score and internal cut-off values, a variant classified as benign is not then subjected to further curation. The score for this variant resulted in a classification of benign for this disease.

Breakthrough Genomics
Classification: Benign. Review status: criteria provided, single submitter. Criteria: ACMG Guidelines, 2015. Collection method: not provided. Allele origin: germline. Inheritance: Autosomal recessive inheritance. Affected: yes.

PreventionGenetics, part of Exact Sciences
Classification: Benign. Review status: criteria provided, single submitter. Criteria: ACMG Guidelines, 2015. Collection method: clinical testing. Allele origin: germline.

Diagnostic Laboratory, Department of Genetics, University Medical Center Groningen
Classification: Benign for Fraser syndrome 1. Review status: no assertion criteria provided. Collection method: clinical testing. Allele origin: germline. Affected: yes. Study: VKGL Data-share Consensus. Not counted in ClinVar's aggregate classification.

Genome Diagnostics Laboratory, University Medical Center Utrecht
Classification: Benign. Review status: no assertion criteria provided. Collection method: clinical testing. Allele origin: germline. Affected: yes. Study: VKGL Data-share Consensus. Not counted in ClinVar's aggregate classification.

Joint Genome Diagnostic Labs from Nijmegen and Maastricht, Radboudumc and MUMC+
Classification: Benign. Review status: no assertion criteria provided. Collection method: clinical testing. Allele origin: germline. Affected: yes. Study: VKGL Data-share Consensus. Not counted in ClinVar's aggregate classification.

NM_025074.7(FRAS1):c.2060A>G (p.Asp687Gly)

Gene: FRAS1 (Fraser extracellular matrix complex subunit 1; plus strand). Cytogenetic location: 4q21.21.
Variant type: single nucleotide variant.
Coding change: c.2060A>G on transcript NM_025074.7 (MANE Select); coding-DNA position 2060, A replaced by G.
Protein change: p.Asp687Gly; replaces aspartic acid 687 with glycine.
Molecular consequence: missense variant.
Genome position (GRCh38, 1-based): chr4:78,318,909, A>G. VCF-style: chr4-78318909-A-G. GRCh37 (hg19) VCF-style: chr4-79240063-A-G.
Other names: p.Asp687Gly; c.2060A>G, p.Asp687Gly (NM_001166133.2); short protein forms D687G.
Identifiers: ClinVar variation 261804 (VCV000261804.19), dbSNP rs345513, ClinGen allele CA2976538.
Genomic context (GRCh38, chr4:78,318,909, plus strand): 5'-CCTCTCACTGTACTGGGTGTAAGAAGCCAGAGGAAGGACTGCAAGTGGAGCAGCTGTCTG[A>G]CGTGGGCATCCCCTCTGGCGAGTGTCTAGCCCAGTGTAGAGCCCATTTTTACTTGGAGAG-3'
Protein context (NP_079350.5, residues 677-697): EEGLQVEQLS[Asp687Gly]VGIPSGECLA